The following is an entry in ClinVar:

ClinVar aggregate classification (germline): Uncertain significance. Review status: criteria provided, multiple submitters, no conflicts (2 of 4 stars). 2 submissions from 2 submitters: Uncertain significance (2). Last evaluated 2024-08-21.

Conditions:
Atypical hemolytic-uremic syndrome with C3 anomaly. Also called: AHUS, SUSCEPTIBILITY TO, 5. Identifiers: Orphanet 2134, MedGen C2752037, MONDO:0013043, OMIM 612925.
Age related macular degeneration 9. Identifiers: MedGen C1969651, MONDO:0012659, OMIM 611378.
Complement component 3 deficiency. Identifiers: Orphanet 280133, MedGen C3151071, MONDO:0013417, OMIM 613779.

gnomAD v4.1: 1 of 1,613,820 alleles (0.000062%); highest among the groups gnomAD compares: Non-Finnish European, 0.000085%; no homozygotes.

Submissions (2):

Labcorp Genetics (formerly Invitae), Labcorp
Classification: Uncertain significance. Last evaluated: 2024-08-21. Review status: criteria provided, single submitter. Criteria: Invitae Variant Classification Sherloc (09022015). Collection method: clinical testing. Allele origin: germline.
Comment: This sequence change replaces serine, which is neutral and polar, with asparagine, which is neutral and polar, at codon 421 of the C3 protein (p.Ser421Asn). This variant is not present in population databases (gnomAD no frequency). This variant has not been reported in the literature in individuals affected with C3-related conditions. Invitae Evidence Modeling of protein sequence and biophysical properties (such as structural, functional, and spatial information, amino acid conservation, physicochemical variation, residue mobility, and thermodynamic stability) indicates that this missense variant is not expected to disrupt C3 protein function with a negative predictive value of 80%. In summary, the available evidence is currently insufficient to determine the role of this variant in disease. Therefore, it has been classified as a Variant of Uncertain Significance.

Fulgent Genetics
Classification: Uncertain significance for Age related macular degeneration 9; Atypical hemolytic-uremic syndrome with C3 anomaly; Complement component 3 deficiency. Last evaluated: 2024-05-26. Review status: criteria provided, single submitter. Criteria: ACMG Guidelines, 2015. Collection method: clinical testing. Allele origin: germline.

NM_000064.4(C3):c.1262G>A (p.Ser421Asn)

Gene: C3 (complement C3; minus strand). Cytogenetic location: 19p13.3.
Variant type: single nucleotide variant.
Coding change: c.1262G>A on transcript NM_000064.4 (MANE Select); coding-DNA position 1262, G replaced by A.
Protein change: p.Ser421Asn; replaces serine 421 with asparagine.
Molecular consequence: missense variant.
Genome position (GRCh38, 1-based): chr19:6,712,264, C>T on the plus strand (G>A on the coding strand, the complement: C3 is on the minus strand). VCF-style: chr19-6712264-C-T. GRCh37 (hg19) VCF-style: chr19-6712275-C-T.
Other names: short protein forms S421N.
Identifiers: ClinVar variation 3584172 (VCV003584172.3).